The following is an entry in ClinVar:

ClinVar aggregate classification (germline): Uncertain significance (1 of 4 stars; one submission).

Conditions:
Hereditary cancer-predisposing syndrome. Also called: Neoplastic Syndromes, Hereditary; Tumor predisposition; Hereditary Cancer Syndrome; Hereditary neoplastic syndrome. Identifiers: Orphanet 140162, MedGen C0027672, MeSH D009386, MONDO:0015356.

Submission:

Ambry Genetics
Classification: Uncertain significance for Hereditary cancer-predisposing syndrome. Last evaluated: 2025-11-15. Review status: criteria provided, single submitter. Criteria: Ambry Variant Classification Scheme 2023. Collection method: clinical testing. Allele origin: germline.
Comment: The p.V534L variant (also known as c.1600G>T), located in coding exon 8 of the ALK gene, results from a G to T substitution at nucleotide position 1600. The valine at codon 534 is replaced by leucine, an amino acid with highly similar properties. This amino acid position is conserved. In addition, this alteration is predicted to be tolerated by in silico analysis. Based on the available evidence, the clinical significance of this variant remains unclear.

NM_004304.5(ALK):c.1600G>T (p.Val534Leu)

Gene: ALK (ALK receptor tyrosine kinase; minus strand). Cytogenetic location: 2p23.2.
Variant type: single nucleotide variant.
Coding change: c.1600G>T on transcript NM_004304.5 (MANE Select); coding-DNA position 1600, G replaced by T.
Protein change: p.Val534Leu; replaces valine 534 with leucine.
Molecular consequence: missense variant.
Genome position (GRCh38, 1-based): chr2:29,318,351, C>A on the plus strand (G>T on the coding strand, the complement: ALK is on the minus strand). VCF-style: chr2-29318351-C-A. GRCh37 (hg19) VCF-style: chr2-29541217-C-A.
Other names: short protein forms V534L.
Identifiers: ClinVar variation 4679119 (VCV004679119.1).